The following is an entry in ClinVar:

NR_003051.4(RMRP):n.247G>A

Gene: RMRP (RNA component of mitochondrial RNA processing endoribonuclease; minus strand). Cytogenetic location: 9p13.3.
Variant type: single nucleotide variant.
Genome position: GRCh38 VCF-style: chr9-35657773-C-T. GRCh37 (hg19) VCF-style: chr9-35657770-C-T.
Identifiers: ClinVar variation 654945 (VCV000654945.7), dbSNP rs1345047056, ClinGen allele CA464450262.

ClinVar aggregate classification (germline): Uncertain significance. Review status: criteria provided, single submitter (1 of 4 stars). 2 submissions from 2 submitters: Uncertain significance (1). 1 of the submissions does not count toward it. Last evaluated 2021-08-31.

Conditions:
Anauxetic dysplasia. Identifiers: Orphanet 93347, MedGen C1846796, MONDO:0011773.
Metaphyseal chondrodysplasia, McKusick type (CHH). Also called: Cartilage-hair hypoplasia; Cartilage-Hair Hypoplasia (CHH). Identifiers: Orphanet 175, MedGen C0220748, MONDO:0009595, OMIM 250250.

Allele frequency attached by ClinVar (database versions not stated): TOPMed below 0.00001; gnomAD exomes 0.00001.
gnomAD v4.1: 1 of 696,400 alleles (0.00014%); highest among the groups gnomAD compares: Non-Finnish European, 0.00026%; no homozygotes.

Submissions (2):

Labcorp Genetics (formerly Invitae), Labcorp
Classification: Uncertain significance for Anauxetic dysplasia. Last evaluated: 2021-08-31. Review status: criteria provided, single submitter. Criteria: Invitae Variant Classification Sherloc (09022015). Collection method: clinical testing. Allele origin: germline.
Comment: This variant occurs in the RMRP gene, which encodes an RNA molecule that does not result in a protein product. The frequency data for this variant in the population databases is considered unreliable, as metrics indicate insufficient coverage at this position in the ExAC database. This variant has not been reported in the literature in individuals affected with RMRP-related conditions. Experimental studies and prediction algorithms are not available or were not evaluated, and the functional significance of this variant is currently unknown. In summary, the available evidence is currently insufficient to determine the role of this variant in disease. Therefore, it has been classified as a Variant of Uncertain Significance.

Natera, Inc.
Classification: Uncertain significance for Cartilage-hair hypoplasia. Last evaluated: 2020-09-16. Review status: no assertion criteria provided. Collection method: clinical testing. Allele origin: germline. Not counted in ClinVar's aggregate classification.